The following is an entry in ClinVar:

ClinVar aggregate classification (germline): Uncertain significance. Review status: criteria provided, multiple submitters, no conflicts (2 of 4 stars). 2 submissions from 2 submitters: Uncertain significance (2). Last evaluated 2024-04-23.

Conditions:
BAP1-related tumor predisposition syndrome (TPDS1). Also called: Tumor susceptibility linked to germline BAP1 mutations; BAP1 tumor predisposition syndrome; COMMON Syndrome; TUMOR PREDISPOSITION SYNDROME 1. Identifiers: Orphanet 289539, MedGen C3280492, MONDO:0013692, OMIM 614327.

Submissions (2):

Labcorp Genetics (formerly Invitae), Labcorp
Classification: Uncertain significance for BAP1-related tumor predisposition syndrome. Last evaluated: 2024-04-23. Review status: criteria provided, single submitter. Criteria: Invitae Variant Classification Sherloc (09022015). Collection method: clinical testing. Allele origin: germline.
Comment: This sequence change replaces isoleucine, which is neutral and non-polar, with valine, which is neutral and non-polar, at codon 72 of the BAP1 protein (p.Ile72Val). This variant is not present in population databases (gnomAD no frequency). This variant has not been reported in the literature in individuals affected with BAP1-related conditions. ClinVar contains an entry for this variant (Variation ID: 1060412). Advanced modeling of protein sequence and biophysical properties (such as structural, functional, and spatial information, amino acid conservation, physicochemical variation, residue mobility, and thermodynamic stability) performed at Invitae indicates that this missense variant is not expected to disrupt BAP1 protein function with a negative predictive value of 80%. In summary, the available evidence is currently insufficient to determine the role of this variant in disease. Therefore, it has been classified as a Variant of Uncertain Significance.

GeneDx
Classification: Uncertain significance. Last evaluated: 2023-11-03. Review status: criteria provided, single submitter. Criteria: GeneDx Variant Classification Process June 2021. Collection method: clinical testing. Allele origin: germline. Affected: yes.
Comment: Not observed at significant frequency in large population cohorts (gnomAD); In silico analysis supports that this missense variant does not alter protein structure/function; Has not been previously published as pathogenic or benign to our knowledge

NM_004656.4(BAP1):c.214A>G (p.Ile72Val)

Gene: BAP1 (BRCA1 associated deubiquitinase 1; minus strand). Cytogenetic location: 3p21.1.
Variant type: single nucleotide variant.
Coding change: c.214A>G on transcript NM_004656.4 (MANE Select); coding-DNA position 214, A replaced by G.
Protein change: p.Ile72Val; replaces isoleucine 72 with valine.
Molecular consequence: missense variant.
Genome position (GRCh38, 1-based): chr3:52,408,515, T>C on the plus strand (A>G on the coding strand, the complement: BAP1 is on the minus strand). VCF-style: chr3-52408515-T-C. GRCh37 (hg19) VCF-style: chr3-52442531-T-C.
Other names: c.214A>G (NM_004656.3); short protein forms I72V.
Identifiers: ClinVar variation 1060412 (VCV001060412.6), dbSNP rs2153228304, ClinGen allele CA353113191.